The following is an entry in ClinVar:

ClinVar aggregate classification (germline): Conflicting classifications of pathogenicity. Review status: criteria provided, conflicting classifications (1 of 4 stars). 6 submissions from 6 submitters: Uncertain significance (4); Likely benign (1). 1 of the submissions does not count toward it. Last evaluated 2026-01-11.

Conditions:
MAN2B1-related disorder. Also called: MAN2B1-related condition.
Inborn genetic diseases. Identifiers: MedGen C0950123, MeSH D030342.
Deficiency of alpha-mannosidase (MANSA). Also called: LYSOSOMAL ALPHA-D-MANNOSIDASE DEFICIENCY; Alpha-Mannosidosis; Mannosidosis, alpha-, types I and II. Identifiers: Orphanet 61, MedGen C0024748, MONDO:0009561, OMIM 248500.

Allele frequency attached by ClinVar (database versions not stated): gnomAD exomes 0.00009 and 0.00019; gnomAD 0.00015 and 0.00016; ExAC 0.00020; TOPMed 0.00023.
gnomAD v4.1: 160 of 1,614,012 alleles (0.0099%); highest among the groups gnomAD compares: Admixed American, 0.083%; no homozygotes.

Submissions (6):

Labcorp Genetics (formerly Invitae), Labcorp
Classification: Likely benign for Deficiency of alpha-mannosidase. Last evaluated: 2026-01-11. Review status: criteria provided, single submitter. Criteria: Invitae Variant Classification Sherloc (09022015). Collection method: clinical testing. Allele origin: germline.

PreventionGenetics, part of Exact Sciences
Classification: Uncertain significance for MAN2B1-related condition. Last evaluated: 2024-11-16. Review status: criteria provided, single submitter. Criteria: ACMG Guidelines, 2015. Collection method: clinical testing. Allele origin: germline.
Comment: The MAN2B1 c.2966A>G variant is predicted to result in the amino acid substitution p.Asn989Ser. To our knowledge, this variant has not been reported in the literature. This variant is reported in 0.093% of alleles in individuals of Latino descent in gnomAD. Although we suspect that this variant may be benign, at this time, the clinical significance of this variant is uncertain due to the absence of conclusive functional and genetic evidence.

Ambry Genetics
Classification: Uncertain significance for Inborn genetic diseases. Last evaluated: 2024-06-03. Review status: criteria provided, single submitter. Criteria: Ambry Variant Classification Scheme 2023. Collection method: clinical testing. Allele origin: germline.

Mayo Clinic Laboratories, Mayo Clinic
Classification: Uncertain significance. Last evaluated: 2023-07-26. Review status: criteria provided, single submitter. Criteria: ACMG Guidelines, 2015. Collection method: clinical testing. Allele origin: germline. Observed: 1 variant allele.
Comment: BP4, PM2_moderate

Fulgent Genetics
Classification: Uncertain significance for Deficiency of alpha-mannosidase. Last evaluated: 2021-11-24. Review status: criteria provided, single submitter. Criteria: ACMG Guidelines, 2015. Collection method: clinical testing. Allele origin: unknown.

Natera, Inc.
Classification: Uncertain significance for Alpha-mannosidosis. Last evaluated: 2019-11-11. Review status: no assertion criteria provided. Collection method: clinical testing. Allele origin: germline. Not counted in ClinVar's aggregate classification.

NM_000528.4(MAN2B1):c.2966A>G (p.Asn989Ser)

Gene: MAN2B1 (mannosidase alpha class 2B member 1; minus strand). Cytogenetic location: 19p13.13.
Variant type: single nucleotide variant.
Coding change: c.2966A>G on transcript NM_000528.4 (MANE Select); coding-DNA position 2966, A replaced by G.
Protein change: p.Asn989Ser; replaces asparagine 989 with serine.
Molecular consequence: missense variant.
Genome position (GRCh38, 1-based): chr19:12,646,690, T>C on the plus strand (A>G on the coding strand, the complement: MAN2B1 is on the minus strand). VCF-style: chr19-12646690-T-C. GRCh37 (hg19) VCF-style: chr19-12757504-T-C.
Other names: p.Asn989Ser; c.2963A>G, p.Asn988Ser (NM_001173498.2); short protein forms N989S, N988S.
Identifiers: ClinVar variation 649913 (VCV000649913.16), dbSNP rs753397171, ClinGen allele CA9225850.